The following is an entry in ClinVar:

NM_021831.6(AGBL5):c.215+5A>G

Gene: AGBL5 (AGBL carboxypeptidase 5; plus strand). Cytogenetic location: 2p23.3.
Variant type: single nucleotide variant.
Coding change: c.215+5A>G on transcript NM_021831.6 (MANE Select); 5 bases into the intron after coding-DNA position 215, A replaced by G.
Molecular consequence: intron variant.
Genome position (GRCh38, 1-based): chr2:27,053,178, A>G. VCF-style: chr2-27053178-A-G. GRCh37 (hg19) VCF-style: chr2-27276046-A-G.
Other names: c.215+5A>G (NM_001035507.3).
Identifiers: ClinVar variation 2088880 (VCV002088880.4), dbSNP rs1668260671, ClinGen allele CA1240094813.

ClinVar aggregate classification (germline): Uncertain significance (1 of 4 stars; one submission).

Allele frequency attached by ClinVar (database versions not stated): gnomAD exomes below 0.00001.
gnomAD v4.1: 1 of 1,576,432 alleles (0.000063%); highest among the groups gnomAD compares: Non-Finnish European, 0.000086%; no homozygotes.

Submission:

Labcorp Genetics (formerly Invitae), Labcorp
Classification: Uncertain significance. Last evaluated: 2022-04-01. Review status: criteria provided, single submitter. Criteria: Invitae Variant Classification Sherloc (09022015). Collection method: clinical testing. Allele origin: germline.
Comment: In summary, the available evidence is currently insufficient to determine the role of this variant in disease. Therefore, it has been classified as a Variant of Uncertain Significance. Variants that disrupt the consensus splice site are a relatively common cause of aberrant splicing (PMID: 17576681, 9536098). Algorithms developed to predict the effect of sequence changes on RNA splicing suggest that this variant may create or strengthen a splice site. This variant has not been reported in the literature in individuals affected with AGBL5-related conditions. This variant is not present in population databases (gnomAD no frequency). This sequence change falls in intron 2 of the AGBL5 gene. It does not directly change the encoded amino acid sequence of the AGBL5 protein. It affects a nucleotide within the consensus splice site.

Literature cited by the submitters: PubMed 17576681; PubMed 9536098.